The following is an entry in ClinVar:

NM_021813.4(BACH2):c.2449A>G (p.Thr817Ala)

Gene: BACH2 (BACH transcriptional regulator 2; minus strand). Cytogenetic location: 6q15.
Variant type: single nucleotide variant.
Coding change: c.2449A>G on transcript NM_021813.4 (MANE Select); coding-DNA position 2449, A replaced by G.
Protein change: p.Thr817Ala; replaces threonine 817 with alanine.
Molecular consequence: missense variant.
Genome position (GRCh38, 1-based): chr6:89,932,485, T>C on the plus strand (A>G on the coding strand, the complement: BACH2 is on the minus strand). VCF-style: chr6-89932485-T-C. GRCh37 (hg19) VCF-style: chr6-90642204-T-C.
Other names: c.2449A>G, p.Thr817Ala (NM_001170794.2); short protein forms T817A.
Identifiers: ClinVar variation 4773159 (VCV004773159.1).

ClinVar aggregate classification (germline): Uncertain significance (1 of 4 stars; one submission).

Submission:

Labcorp Genetics (formerly Invitae), Labcorp
Classification: Uncertain significance. Last evaluated: 2025-08-15. Review status: criteria provided, single submitter. Criteria: Invitae Variant Classification Sherloc (09022015). Collection method: clinical testing. Allele origin: germline.
Comment: This sequence change replaces threonine, which is neutral and polar, with alanine, which is neutral and non-polar, at codon 817 of the BACH2 protein (p.Thr817Ala). This variant is not present in population databases (gnomAD no frequency). This variant has not been reported in the literature in individuals affected with BACH2-related conditions. Invitae Evidence Modeling of protein sequence and biophysical properties (such as structural, functional, and spatial information, amino acid conservation, physicochemical variation, residue mobility, and thermodynamic stability) indicates that this missense variant is not expected to disrupt BACH2 protein function with a negative predictive value of 80%. In summary, the available evidence is currently insufficient to determine the role of this variant in disease. Therefore, it has been classified as a Variant of Uncertain Significance.